The following is an entry in ClinVar:

NM_001329556.3(REEP6):c.527_528insG (p.Leu177fs)

Gene: REEP6 (receptor accessory protein 6; plus strand). Cytogenetic location: 19p13.3.
Variant type: Insertion.
Coding change: c.527_528insG on transcript NM_001329556.3 (MANE Plus Clinical); coding-DNA positions 527 to 528, G inserted.
Protein change: p.Leu177fs; shifts the reading frame from leucine 177.
Molecular consequence: frameshift variant. On other transcripts: intron variant (1).
Genome position: GRCh38 VCF-style: chr19-1496600-T-TG. GRCh37 (hg19) VCF-style: chr19-1496599-T-TG.
Other names: c.517+147_517+148insG (NM_138393.4); short protein forms L177fs.
Identifiers: ClinVar variation 1454664 (VCV001454664.7), dbSNP rs2145479265, ClinGen allele CA2573155799.

ClinVar aggregate classification (germline): Pathogenic. Review status: criteria provided, multiple submitters, no conflicts (2 of 4 stars). 2 submissions from 2 submitters: Pathogenic (2). Last evaluated 2025-09-10.

Conditions:
REEP6-related disorder. Also called: REEP6-related condition.

Submissions (2):

Labcorp Genetics (formerly Invitae), Labcorp
Classification: Pathogenic. Last evaluated: 2025-09-10. Review status: criteria provided, single submitter. Criteria: Invitae Variant Classification Sherloc (09022015). Collection method: clinical testing. Allele origin: germline.
Comment: This sequence change creates a premature translational stop signal (p.Leu177Profs*4) in the REEP6 gene. It is expected to result in an absent or disrupted protein product. Loss-of-function variants in REEP6 are known to be pathogenic (PMID: 27889058, 29120066). This variant is not present in population databases (gnomAD no frequency). This variant has not been reported in the literature in individuals affected with REEP6-related conditions. ClinVar contains an entry for this variant (Variation ID: 1454664). For these reasons, this variant has been classified as Pathogenic.

Blueprint Genetics
Classification: Pathogenic for REEP6-related disorders. Last evaluated: 2022-02-08. Review status: criteria provided, single submitter. Criteria: ACMG Guidelines, 2015. Collection method: clinical testing. Allele origin: germline. Affected: yes. Observed: 2 variant alleles.

Literature cited by the submitters: PubMed 27889058 (cited by Labcorp Genetics (formerly Invitae), Labcorp); PubMed 29120066 (cited by Labcorp Genetics (formerly Invitae), Labcorp).